The following is an entry in ClinVar:

NM_144736.5(NDUFAF7):c.1254T>A (p.Tyr418Ter)

Gene: NDUFAF7 (NADH:ubiquinone oxidoreductase complex assembly factor 7; plus strand). Cytogenetic location: 2p22.2.
Variant type: single nucleotide variant.
Coding change: c.1254T>A on transcript NM_144736.5 (MANE Select); coding-DNA position 1254, T replaced by A.
Protein change: p.Tyr418Ter; replaces tyrosine 418 with a stop codon.
Molecular consequence: nonsense. On other transcripts: non-coding transcript variant (10).
Genome position (GRCh38, 1-based): chr2:37,248,278, T>A. VCF-style: chr2-37248278-T-A. GRCh37 (hg19) VCF-style: chr2-37475421-T-A.
Other names: c.960T>A, p.Tyr320Ter (NM_001083946.2); c.1131T>A, p.Tyr377Ter (NM_001350024.2); c.1050T>A, p.Tyr350Ter (NM_001350025.2); c.1041T>A, p.Tyr347Ter (NM_001350027.2); short protein forms Y350*, Y418*, Y347*, Y320*, Y377*.
Identifiers: ClinVar variation 4752598 (VCV004752598.1).

ClinVar aggregate classification (germline): Uncertain significance (1 of 4 stars; one submission).

Submission:

Labcorp Genetics (formerly Invitae), Labcorp
Classification: Uncertain significance. Last evaluated: 2025-02-13. Review status: criteria provided, single submitter. Criteria: Invitae Variant Classification Sherloc (09022015). Collection method: clinical testing. Allele origin: germline.
Comment: This sequence change creates a premature translational stop signal (p.Tyr320*) in the NDUFAF7 gene. While this is not anticipated to result in nonsense mediated decay, it is expected to disrupt the last 24 amino acid(s) of the NDUFAF7 protein. This variant is present in population databases (rs142954245, gnomAD 0.2%), and has an allele count higher than expected for a pathogenic variant. This variant has not been reported in the literature in individuals affected with NDUFAF7-related conditions. Experimental studies and prediction algorithms are not available or were not evaluated, and the functional significance of this variant is currently unknown. In summary, the available evidence is currently insufficient to determine the role of this variant in disease. Therefore, it has been classified as a Variant of Uncertain Significance.